The following is an entry in ClinVar:

NM_012062.5(DNM1L):c.457-6G>A

Gene: DNM1L (dynamin 1 like; plus strand). Cytogenetic location: 12p11.21.
Variant type: single nucleotide variant.
Coding change: c.457-6G>A on transcript NM_012062.5 (MANE Select); 6 bases into the intron before coding-DNA position 457, G replaced by A.
Molecular consequence: intron variant.
Genome position (GRCh38, 1-based): chr12:32,713,203, G>A. VCF-style: chr12-32713203-G-A. GRCh37 (hg19) VCF-style: chr12-32866137-G-A.
Other names: c.496-6G>A (NM_001278464.2, NM_001278465.2, NM_001330380.2); c.131+5790G>A (NM_001278466.2); c.457-6G>A (NM_001278463.2, NM_012063.4, NM_005690.5 and 1 more transcripts).
Identifiers: ClinVar variation 1558095 (VCV001558095.9), dbSNP rs746248565, ClinGen allele CA6507354.

ClinVar aggregate classification (germline): Conflicting classifications of pathogenicity. Review status: criteria provided, conflicting classifications (1 of 4 stars). 2 submissions from 2 submitters: Uncertain significance (1); Likely benign (1). Last evaluated 2022-10-13.

Conditions:
Inborn genetic diseases. Identifiers: MedGen C0950123, MeSH D030342.

Allele frequency attached by ClinVar (database versions not stated): ExAC 0.00001; gnomAD 0.00001.
gnomAD v4.1: 5 of 1,613,644 alleles (0.00031%); highest among the groups gnomAD compares: Admixed American, 0.0083%; no homozygotes.

Submissions (2):

Labcorp Genetics (formerly Invitae), Labcorp
Classification: Likely benign. Last evaluated: 2022-10-13. Review status: criteria provided, single submitter. Criteria: Invitae Variant Classification Sherloc (09022015). Collection method: clinical testing. Allele origin: germline.

Ambry Genetics
Classification: Uncertain significance for Inborn genetic diseases. Last evaluated: 2021-04-07. Review status: criteria provided, single submitter. Criteria: Ambry Variant Classification Scheme 2023. Collection method: clinical testing. Allele origin: germline.
Comment: The c.457-6G>A intronic alteration consists of a G to A substitution 6 nucleotides before coding exon 6 in the DNM1L gene. Based on insufficient or conflicting evidence, the clinical significance of this alteration remains unclear.